The following is an entry in ClinVar:

NM_018896.5(CACNA1G):c.7080A>C (p.Lys2360Asn)

Gene: CACNA1G (calcium voltage-gated channel subunit alpha1 G; plus strand). Cytogenetic location: 17q21.33.
Variant type: single nucleotide variant.
Coding change: c.7080A>C on transcript NM_018896.5 (MANE Select); coding-DNA position 7080, A replaced by C.
Protein change: p.Lys2360Asn; replaces lysine 2360 with asparagine.
Molecular consequence: missense variant. On other transcripts: non-coding transcript variant (5).
Genome position (GRCh38, 1-based): chr17:50,626,697, A>C. VCF-style: chr17-50626697-A-C. GRCh37 (hg19) VCF-style: chr17-48704058-A-C.
Other names: p.Lys2360Asn; c.6891A>C, p.Lys2297Asn (NM_001256324.2); c.6822A>C, p.Lys2274Asn (NM_001256325.2); c.6810A>C, p.Lys2270Asn (NM_001256326.2); c.6780A>C, p.Lys2260Asn (NM_001256327.2); c.6726A>C, p.Lys2242Asn (NM_001256328.2); c.6699A>C, p.Lys2233Asn (NM_001256329.2, NM_198387.3); c.6666A>C, p.Lys2222Asn (NM_001256330.2); and 20 more; short protein forms K2210N, K2226N, K2244N, K2274N, K2315N, K2349N, K2360N, K2154N.
Identifiers: ClinVar variation 2962174 (VCV002962174.5), dbSNP rs59256133, ClinGen allele CA8653803.
Genomic context (GRCh38, chr17:50,626,697, plus strand): 5'-CAAGGATCCCTTGGCCTCTGGCCCCCCTGACAGCATGGCTGCCTCGCCCTCCCCAAAGAA[A>C]GATGTGCTGAGTCTCTCCGGTTTATCCTCTGACCCAGCAGACCTGGACCCCTGAGTCCTG-3'
Protein context (NP_061496.2, residues 2350-2370): DSMAASPSPK[Lys2360Asn]DVLSLSGLSS

ClinVar aggregate classification (germline): Uncertain significance. Review status: criteria provided, multiple submitters, no conflicts (2 of 4 stars). 3 submissions from 3 submitters: Uncertain significance (3). Last evaluated 2025-10-17.

Conditions:
Inborn genetic diseases. Identifiers: MedGen C0950123, MeSH D030342.

gnomAD v4.1: 58 of 1,613,096 alleles (0.0036%); highest among the groups gnomAD compares: Non-Finnish European, 0.0043%; no homozygotes.

Submissions (3):

Mayo Clinic Laboratories, Mayo Clinic
Classification: Uncertain significance. Last evaluated: 2025-10-17. Review status: criteria provided, single submitter. Criteria: ACMG Guidelines, 2015. Collection method: clinical testing. Allele origin: germline. Observed: 1 variant allele.
Comment: BP4_moderate

Ambry Genetics
Classification: Uncertain significance for Inborn genetic diseases. Last evaluated: 2025-06-29. Review status: criteria provided, single submitter. Criteria: Ambry Variant Classification Scheme 2023. Collection method: clinical testing. Allele origin: germline.

Labcorp Genetics (formerly Invitae), Labcorp
Classification: Uncertain significance. Last evaluated: 2023-05-01. Review status: criteria provided, single submitter. Criteria: Invitae Variant Classification Sherloc (09022015). Collection method: clinical testing. Allele origin: germline.
Comment: In summary, the available evidence is currently insufficient to determine the role of this variant in disease. Therefore, it has been classified as a Variant of Uncertain Significance. Advanced modeling of protein sequence and biophysical properties (such as structural, functional, and spatial information, amino acid conservation, physicochemical variation, residue mobility, and thermodynamic stability) has been performed at Invitae for this missense variant, however the output from this modeling did not meet the statistical confidence thresholds required to predict the impact of this variant on CACNA1G protein function. This variant has not been reported in the literature in individuals affected with CACNA1G-related conditions. This variant is present in population databases (rs59256133, gnomAD 0.002%). This sequence change replaces lysine, which is basic and polar, with asparagine, which is neutral and polar, at codon 2360 of the CACNA1G protein (p.Lys2360Asn).